The following is an entry in ClinVar:

NM_024426.6(WT1):c.260C>T (p.Ala87Val)

Genes: WT1 (WT1 transcription factor; minus strand), LOC107982234 (WT1/WT1-AS bi-directional promoter region; plus strand). Cytogenetic location: 11p13.
Variant type: single nucleotide variant.
Coding change: c.260C>T on transcript NM_024426.6 (MANE Select); coding-DNA position 260, C replaced by T.
Protein change: p.Ala87Val; replaces alanine 87 with valine.
Molecular consequence: missense variant. On other transcripts: non-coding transcript variant (2).
Genome position (GRCh38, 1-based): chr11:32,435,101, G>A on the plus strand (C>T on the coding strand, the complement: WT1 is on the minus strand). VCF-style: chr11-32435101-G-A. GRCh37 (hg19) VCF-style: chr11-32456647-G-A.
Other names: c.260C>T, p.Ala87Val (NM_000378.6, NM_001407044.1, NM_001407045.1 and 6 more transcripts); c.41C>T, p.Ala14Val (NM_001429031.1, NM_001429032.1, NM_001429033.1 and 1 more transcripts); short protein forms A14V, A82V, A87V.
Identifiers: ClinVar variation 4202245 (VCV004202245.1).
Genomic context (GRCh38, chr11:32,435,101, plus strand): 5'-CACTGCGCCGCGCCGCTCACAGGCAGGGCACAGCCGCCGCCGCCACCCAGGGAGGGGACG[G>A]CGGGCAGCAGCGCGTTCAGGTCCCGCACGTCGGAGCCCATTTGCTGCGGCTCAGACCCGG-3'
Protein context (NP_077744.4, residues 77-97): DVRDLNALLP[Ala87Val]VPSLGGGGGC

ClinVar aggregate classification (germline): Uncertain significance (1 of 4 stars; one submission).

Conditions:
Inborn genetic diseases. Identifiers: MedGen C0950123, MeSH D030342.

Submission:

Ambry Genetics
Classification: Uncertain significance for Inborn genetic diseases. Last evaluated: 2025-08-22. Review status: criteria provided, single submitter. Criteria: Ambry Variant Classification Scheme 2023. Collection method: clinical testing. Allele origin: germline.
Comment: The p.A82V variant (also known as c.245C>T), located in coding exon 1 of the WT1 gene, results from a C to T substitution at nucleotide position 245. The alanine at codon 82 is replaced by valine, an amino acid with similar properties. This amino acid position is conserved. In addition, this alteration is predicted to be tolerated by in silico analysis. Based on the available evidence, the clinical significance of this variant remains unclear.